The following is an entry in ClinVar:

NM_005465.7(AKT3):c.359G>A (p.Ser120Asn)

Gene: AKT3 (AKT serine/threonine kinase 3; minus strand). Cytogenetic location: 1q44.
Variant type: single nucleotide variant.
Coding change: c.359G>A on transcript NM_005465.7 (MANE Select); coding-DNA position 359, G replaced by A.
Protein change: p.Ser120Asn; replaces serine 120 with asparagine.
Molecular consequence: missense variant.
Genome position (GRCh38, 1-based): chr1:243,645,963, C>T on the plus strand (G>A on the coding strand, the complement: AKT3 is on the minus strand). VCF-style: chr1-243645963-C-T. GRCh37 (hg19) VCF-style: chr1-243809265-C-T.
Other names: c.359G>A, p.Ser120Asn (NM_001206729.2, NM_001370074.1, NM_181690.2); short protein forms S120N.
Identifiers: ClinVar variation 2083338 (VCV002083338.4), dbSNP rs2147846281, ClinGen allele CA345670644.

ClinVar aggregate classification (germline): Uncertain significance (1 of 4 stars; one submission).

Conditions:
Megalencephaly-polymicrogyria-polydactyly-hydrocephalus syndrome 2 (MPPH2). Also called: MEGALENCEPHALY-POLYMICROGYRIA-POLYDACTYLY-HYDROCEPHALUS SYNDROME 2, SOMATIC. Identifiers: Orphanet 83473, MedGen C4014738, MONDO:0014407, OMIM 615937.

Submission:

Labcorp Genetics (formerly Invitae), Labcorp
Classification: Uncertain significance for Megalencephaly-polymicrogyria-polydactyly-hydrocephalus syndrome 2. Last evaluated: 2022-08-09. Review status: criteria provided, single submitter. Criteria: Invitae Variant Classification Sherloc (09022015). Collection method: clinical testing. Allele origin: germline.
Comment: In summary, the available evidence is currently insufficient to determine the role of this variant in disease. Therefore, it has been classified as a Variant of Uncertain Significance. Algorithms developed to predict the effect of missense changes on protein structure and function are either unavailable or do not agree on the potential impact of this missense change (SIFT: "Deleterious"; PolyPhen-2: "Benign"; Align-GVGD: "Class C0"). This variant has not been reported in the literature in individuals affected with AKT3-related conditions. This variant is not present in population databases (gnomAD no frequency). This sequence change replaces serine, which is neutral and polar, with asparagine, which is neutral and polar, at codon 120 of the AKT3 protein (p.Ser120Asn).